The following is an entry in ClinVar:

NM_005477.3(HCN4):c.3066AGG[1] (p.Gly1024del)

Gene: HCN4 (hyperpolarization activated cyclic nucleotide gated potassium channel 4; minus strand). Cytogenetic location: 15q24.1.
Variant type: Microsatellite.
Coding change: c.3066AGG[1] on transcript NM_005477.3 (MANE Select); one copy of the 3-base unit AGG starting at c.3066; the reference has two copies in a row; one copy, 3 bases deleted.
Protein change: p.Gly1024del; deletes glycine 1024.
Genome position (GRCh38, 1-based): chr15:73,323,022-73,323,024, CCT deleted on the plus strand (AGG on the coding strand, the reverse complement: HCN4 is on the minus strand); deleting any 3 consecutive bases within chr15:73,323,022-73,323,028 gives the same sequence; the position shown is the placement nearest the transcript's 3' end. VCF-style (leftmost placement, unchanged base first): chr15-73323021-ACCT-A. GRCh37 (hg19) VCF-style: chr15-73615362-ACCT-A.
Other names: c.3069_3071delAGG (NM_005477.2); short protein forms G1024del.
Identifiers: ClinVar variation 3689568 (VCV003689568.3).
Genomic context (GRCh38, chr15:73,323,021, plus strand): 5'-CCGGGGCGGGGCACTCGGGAAGGTTCTTGGGGGGCCTGGGCTGTGGCCAGGGGGGCTGAG[ACCT>A]CCTCGGGGAGTAAAGCCTACAGGGGAAGCCCCCCCAGAGGCCCCTGCCACAAGGGACGGC-3'

ClinVar aggregate classification (germline): Uncertain significance. Review status: criteria provided, multiple submitters, no conflicts (2 of 4 stars). 2 submissions from 2 submitters: Uncertain significance (2). Last evaluated 2024-12-12.

Conditions:
Brugada syndrome 8 (BRGDA8). Identifiers: Orphanet 130, MedGen C2751083, MONDO:0013148, OMIM 613123.
Cardiovascular phenotype. Identifiers: MedGen CN230736.

Submissions (2):

Ambry Genetics
Classification: Uncertain significance for Cardiovascular phenotype. Last evaluated: 2024-12-12. Review status: criteria provided, single submitter. Criteria: Ambry Variant Classification Scheme 2023. Collection method: clinical testing. Allele origin: germline.
Comment: The c.3069_3071delAGG variant (also known as p.G1024del) is located in coding exon 8 of the HCN4 gene. This variant results from an in-frame AGG deletion at nucleotide positions 3069 to 3071. This results in the in-frame deletion of a glycine at codon 1024. This amino acid position is highly conserved in available vertebrate species. In addition, this alteration is predicted to be neutral by in silico analysis (Choi Y et al. PLoS ONE. 2012; 7(10):e46688). Based on the available evidence, the clinical significance of this variant remains unclear.

Labcorp Genetics (formerly Invitae), Labcorp
Classification: Uncertain significance for Brugada syndrome 8. Last evaluated: 2024-11-27. Review status: criteria provided, single submitter. Criteria: Invitae Variant Classification Sherloc (09022015). Collection method: clinical testing. Allele origin: germline.
Comment: This variant, c.3069_3071del, results in the deletion of 1 amino acid(s) of the HCN4 protein (p.Gly1024del), but otherwise preserves the integrity of the reading frame. This variant is not present in population databases (gnomAD no frequency). This variant has not been reported in the literature in individuals affected with HCN4-related conditions. Experimental studies and prediction algorithms are not available or were not evaluated, and the functional significance of this variant is currently unknown. In summary, the available evidence is currently insufficient to determine the role of this variant in disease. Therefore, it has been classified as a Variant of Uncertain Significance.